The following is an entry in ClinVar:

ClinVar aggregate classification (germline): Uncertain significance (1 of 4 stars; one submission).

Conditions:
Ehlers-Danlos syndrome, type 4 (EDSVASC). Also called: Ehlers-Danlos syndrome vascular type; Ehlers Danlos syndrome, ecchymotic type; Ehlers Danlos syndrome, arterial type; Ehlers Danlos syndrome, Sack-Barabas type; Ehlers-Danlos Syndrome Type IV. Identifiers: Orphanet 286, MedGen C0268338, MONDO:0017314, OMIM 130050.

Submission:

Labcorp Genetics (formerly Invitae), Labcorp
Classification: Uncertain significance for Ehlers-Danlos syndrome, type 4. Last evaluated: 2025-02-24. Review status: criteria provided, single submitter. Criteria: Invitae Variant Classification Sherloc (09022015). Collection method: clinical testing. Allele origin: germline.
Comment: This sequence change replaces aspartic acid, which is acidic and polar, with glutamic acid, which is acidic and polar, at codon 548 of the COL3A1 protein (p.Asp548Glu). This variant is not present in population databases (gnomAD no frequency). This variant has not been reported in the literature in individuals affected with COL3A1-related conditions. Invitae Evidence Modeling of protein sequence and biophysical properties (such as structural, functional, and spatial information, amino acid conservation, physicochemical variation, residue mobility, and thermodynamic stability) indicates that this missense variant is not expected to disrupt COL3A1 protein function with a negative predictive value of 95%. In summary, the available evidence is currently insufficient to determine the role of this variant in disease. Therefore, it has been classified as a Variant of Uncertain Significance.

NM_000090.4(COL3A1):c.1644T>A (p.Asp548Glu)

Gene: COL3A1 (collagen type III alpha 1 chain; plus strand). Cytogenetic location: 2q32.2.
Variant type: single nucleotide variant.
Coding change: c.1644T>A on transcript NM_000090.4 (MANE Select); coding-DNA position 1644, T replaced by A.
Protein change: p.Asp548Glu; replaces aspartic acid 548 with glutamic acid.
Molecular consequence: missense variant.
Genome position (GRCh38, 1-based): chr2:188,996,160, T>A. VCF-style: chr2-188996160-T-A. GRCh37 (hg19) VCF-style: chr2-189860886-T-A.
Other names: short protein forms D548E.
Identifiers: ClinVar variation 3609584 (VCV003609584.2).
Genomic context (GRCh38, chr2:188,996,160, plus strand): 5'-CTAACAACTGACTTCTTTACTTCAGGGCATGCCCGGAAGTCCAGGAGGACCAGGAAGTGA[T>A]GGGAAACCAGGGCCTCCCGTATGTACATTTTTAAAATCTCATTTTAAAAGGCCAGTTAAA-3'
Protein context (NP_000081.2, residues 538-558): MPGSPGGPGS[Asp548Glu]GKPGPPGSQG